The following is an entry in ClinVar:

NM_173660.5(DOK7):c.638G>A (p.Arg213Gln)

Gene: DOK7 (docking protein 7; plus strand). Cytogenetic location: 4p16.3.
Variant type: single nucleotide variant.
Coding change: c.638G>A on transcript NM_173660.5 (MANE Select); coding-DNA position 638, G replaced by A.
Protein change: p.Arg213Gln; replaces arginine 213 with glutamine.
Molecular consequence: missense variant. On other transcripts: synonymous variant (1), 5 prime UTR variant (1).
Genome position (GRCh38, 1-based): chr4:3,485,644, G>A. VCF-style: chr4-3485644-G-A. GRCh37 (hg19) VCF-style: chr4-3487371-G-A.
Other names: c.627G>A, p.Ala209= (NM_001164673.2); c.-293G>A (NM_001256896.2); c.638G>A, p.Arg213Gln (NM_001301071.2); c.206G>A, p.Arg69Gln (NM_001363811.2); short protein forms R213Q, R69Q.
Identifiers: ClinVar variation 566270 (VCV000566270.8), dbSNP rs371408752, ClinGen allele CA2829095.

ClinVar aggregate classification (germline): Uncertain significance. Review status: criteria provided, multiple submitters, no conflicts (2 of 4 stars). 2 submissions from 2 submitters: Uncertain significance (2). Last evaluated 2023-09-22.

Conditions:
Fetal akinesia deformation sequence 1 (FADS1). Also called: Pena-Shokeir syndrome type I; Fetal akinesia sequence. Identifiers: Orphanet 994, MedGen C1276035, MONDO:0100101, OMIM 208150, HP:0001989.
Congenital myasthenic syndrome 10. Also called: Myasthenia, limb-girdle, familial. Identifiers: Orphanet 590, MedGen C1850792, MONDO:0009690, OMIM 254300.

Allele frequency attached by ClinVar (database versions not stated): gnomAD 0.00003; TOPMed 0.00004; ESP Exome Variant Server 0.00008; gnomAD exomes 0.00008; ExAC 0.00016.
gnomAD v4.1: 118 of 1,600,452 alleles (0.0074%); highest among the groups gnomAD compares: Non-Finnish European, 0.0099%; no homozygotes.

Submissions (2):

Women's Health and Genetics/Laboratory Corporation of America, LabCorp
Classification: Uncertain significance. Last evaluated: 2023-09-22. Review status: criteria provided, single submitter. Criteria: LabCorp Variant Classification Summary - May 2015. Collection method: clinical testing. Allele origin: germline.
Comment: Variant summary: DOK7 c.638G>A (p.Arg213Gln) results in a conservative amino acid change in the encoded protein sequence. Three of five in-silico tools predict a damaging effect of the variant on protein function. The variant allele was found at a frequency of 7.7e-05 in 235200 control chromosomes (gnomAD). This frequency is not significantly higher than estimated for a pathogenic variant in DOK7 causing Congenital Myasthenic Syndrome (7.7e-05 vs 0.0014), allowing no conclusion about variant significance. To our knowledge, no occurrence of c.638G>A in individuals affected with Congenital Myasthenic Syndrome and no experimental evidence demonstrating its impact on protein function have been reported. One submitter has cited a clinical-significance assessment for this variant to ClinVar after 2014 and has classified the variant as uncertain significance. Based on the evidence outlined above, the variant was classified as uncertain significance.

Labcorp Genetics (formerly Invitae), Labcorp
Classification: Uncertain significance for Congenital myasthenic syndrome 10; Fetal akinesia deformation sequence 1. Last evaluated: 2022-05-31. Review status: criteria provided, single submitter. Criteria: Invitae Variant Classification Sherloc (09022015). Collection method: clinical testing. Allele origin: germline.
Comment: This sequence change replaces arginine, which is basic and polar, with glutamine, which is neutral and polar, at codon 213 of the DOK7 protein (p.Arg213Gln). This variant is present in population databases (rs371408752, gnomAD 0.02%). This variant has not been reported in the literature in individuals affected with DOK7-related conditions. ClinVar contains an entry for this variant (Variation ID: 566270). Algorithms developed to predict the effect of missense changes on protein structure and function are either unavailable or do not agree on the potential impact of this missense change (SIFT: "Deleterious"; PolyPhen-2: "Benign"; Align-GVGD: "Class C0"). Algorithms developed to predict the effect of sequence changes on RNA splicing suggest that this variant may create or strengthen a splice site. In summary, the available evidence is currently insufficient to determine the role of this variant in disease. Therefore, it has been classified as a Variant of Uncertain Significance.